The following is an entry in ClinVar:

ClinVar aggregate classification (germline): Likely benign. Review status: criteria provided, single submitter (1 of 4 stars). 2 submissions from 2 submitters: Likely benign (1). 1 of the submissions does not count toward it. Last evaluated 2024-11-06.

Conditions:
SPNS2-related disorder. Also called: SPNS2-related condition.

Allele frequency attached by ClinVar (database versions not stated): gnomAD exomes 0.00036; ExAC 0.00057; ESP Exome Variant Server 0.00136; gnomAD 0.00209; 1000 Genomes Project 30x 0.00219; 1000 Genomes Project 0.00220; TOPMed 0.00225.

Submissions (2):

Blueprint Genetics
Classification: Likely benign. Last evaluated: 2024-11-06. Review status: criteria provided, single submitter. Criteria: ACMG Guidelines, 2015. Collection method: clinical testing. Allele origin: germline.

PreventionGenetics, part of Exact Sciences
Classification: Likely benign for SPNS2-related condition. Last evaluated: 2020-01-02. Review status: no assertion criteria provided. Collection method: clinical testing. Allele origin: germline. Not counted in ClinVar's aggregate classification.
Comment: This variant is classified as likely benign based on ACMG/AMP sequence variant interpretation guidelines (Richards et al. 2015 PMID: 25741868, with internal and published modifications).

NM_001124758.3(SPNS2):c.1245C>T (p.Phe415=)

Gene: SPNS2 (SPNS lysolipid transporter 2, sphingosine-1-phosphate; plus strand). Cytogenetic location: 17p13.2.
Variant type: single nucleotide variant.
Coding change: c.1245C>T on transcript NM_001124758.3 (MANE Select); coding-DNA position 1245, C replaced by T.
Protein change: p.Phe415=; no amino-acid change (phenylalanine 415 retained).
Molecular consequence: synonymous variant.
Genome position (GRCh38, 1-based): chr17:4,533,399, C>T. VCF-style: chr17-4533399-C-T. GRCh37 (hg19) VCF-style: chr17-4436694-C-T.
Identifiers: ClinVar variation 3040671 (VCV003040671.3), dbSNP rs138391650, ClinGen allele CA8303226.
Genomic context (GRCh38, chr17:4,533,399, plus strand): 5'-CGACCCACTGGTGTGTGCCGTGGGCATGCTGGGCTCTGCCATCTTCATCTGCCTGATCTT[C>T]GTGGCTGCCAAGAGCAGCATCGTAGGAGCCTATGTGAGTGCAGCGGGGGTCAAGGGTGCT-3'
Protein context (NP_001118230.1, residues 405-425): LGSAIFICLI[Phe415=]VAAKSSIVGA